The following is an entry in ClinVar:

ClinVar aggregate classification (germline): Uncertain significance (1 of 4 stars; one submission).

Conditions:
DNA ligase IV deficiency. Identifiers: Orphanet 99812, MedGen C1847827, MONDO:0011686, OMIM 606593.

Submission:

Labcorp Genetics (formerly Invitae), Labcorp
Classification: Uncertain significance for DNA ligase IV deficiency. Last evaluated: 2022-08-22. Review status: criteria provided, single submitter. Criteria: Invitae Variant Classification Sherloc (09022015). Collection method: clinical testing. Allele origin: germline.
Comment: This variant is not present in population databases (gnomAD no frequency). This sequence change replaces glutamine, which is neutral and polar, with proline, which is neutral and non-polar, at codon 739 of the LIG4 protein (p.Gln739Pro). This variant has not been reported in the literature in individuals affected with LIG4-related conditions. In summary, the available evidence is currently insufficient to determine the role of this variant in disease. Therefore, it has been classified as a Variant of Uncertain Significance. Algorithms developed to predict the effect of missense changes on protein structure and function (SIFT, PolyPhen-2, Align-GVGD) all suggest that this variant is likely to be tolerated.

NM_206937.2(LIG4):c.2216A>C (p.Gln739Pro)

Gene: LIG4 (DNA ligase 4; minus strand). Cytogenetic location: 13q33.3.
Variant type: single nucleotide variant.
Coding change: c.2216A>C on transcript NM_206937.2 (MANE Select); coding-DNA position 2216, A replaced by C.
Protein change: p.Gln739Pro; replaces glutamine 739 with proline.
Molecular consequence: missense variant.
Genome position (GRCh38, 1-based): chr13:108,209,053, T>G on the plus strand (A>C on the coding strand, the complement: LIG4 is on the minus strand). VCF-style: chr13-108209053-T-G. GRCh37 (hg19) VCF-style: chr13-108861401-T-G.
Other names: c.2216A>C, p.Gln739Pro (NM_001098268.2, NM_001352598.2, NM_001352599.2 and 6 more transcripts); c.2015A>C, p.Gln672Pro (NM_001330595.2); c.2252A>C, p.Gln751Pro (NM_001352604.2); short protein forms Q672P, Q739P, Q751P.
Identifiers: ClinVar variation 1715643 (VCV001715643.5), dbSNP rs2501583327, ClinGen allele CA388613763.
Genomic context (GRCh38, chr13:108,209,053, plus strand): 5'-TCATATTCACGGGCAAAATGTTCTTTGGTTGATGGGCACATATGAATCATAAAGCGAGGC[T>G]GCCATGGTACAAAGCTTTTGGTCTTAAAACATTCTAAAAGCCATGCAGGCTTGACAACAT-3'
Protein context (NP_996820.1, residues 729-749): CFKTKSFVPW[Gln739Pro]PRFMIHMCPS